The following is an entry in ClinVar:

NM_020166.5(MCCC1):c.942T>A (p.Asn314Lys)

Gene: MCCC1 (methylcrotonyl-CoA carboxylase subunit 1; minus strand). Cytogenetic location: 3q27.1.
Variant type: single nucleotide variant.
Coding change: c.942T>A on transcript NM_020166.5 (MANE Select); coding-DNA position 942, T replaced by A.
Protein change: p.Asn314Lys; replaces asparagine 314 with lysine.
Molecular consequence: missense variant. On other transcripts: non-coding transcript variant (2).
Genome position (GRCh38, 1-based): chr3:183,052,172, A>T on the plus strand (T>A on the coding strand, the complement: MCCC1 is on the minus strand). VCF-style: chr3-183052172-A-T. GRCh37 (hg19) VCF-style: chr3-182769960-A-T.
Other names: c.591T>A, p.Asn197Lys (NM_001293273.2); c.615T>A, p.Asn205Lys (NM_001363880.1); short protein forms N197K, N314K, N205K.
Identifiers: ClinVar variation 2157067 (VCV002157067.1), dbSNP rs886564017, ClinGen allele CA88710580.

ClinVar aggregate classification (germline): Uncertain significance (1 of 4 stars; one submission).

Conditions:
3-methylcrotonyl-CoA carboxylase 1 deficiency (MCC1D). Also called: MCC 1 deficiency; 3 Alpha methylcrotonylglycinuria 1; MCCD TYPE 1; METHYLCROTONYLGLYCINURIA TYPE I. Identifiers: Orphanet 6, MedGen CN028786, MONDO:0008861, OMIM 210200.

Allele frequency attached by ClinVar (database versions not stated): gnomAD 0.00003; TOPMed 0.00003; gnomAD exomes 0.00008.
gnomAD v4.1: 117 of 1,613,926 alleles (0.0072%); highest among the groups gnomAD compares: Non-Finnish European, 0.0095%; no homozygotes.

Submission:

Labcorp Genetics (formerly Invitae), Labcorp
Classification: Uncertain significance for 3-methylcrotonyl-CoA carboxylase 1 deficiency. Last evaluated: 2022-07-06. Review status: criteria provided, single submitter. Criteria: Invitae Variant Classification Sherloc (09022015). Collection method: clinical testing. Allele origin: germline.
Comment: This sequence change replaces asparagine, which is neutral and polar, with lysine, which is basic and polar, at codon 314 of the MCCC1 protein (p.Asn314Lys). This variant is present in population databases (no rsID available, gnomAD 0.007%). This variant has not been reported in the literature in individuals affected with MCCC1-related conditions. Algorithms developed to predict the effect of missense changes on protein structure and function output the following: SIFT: "Tolerated"; PolyPhen-2: "Benign"; Align-GVGD: "Class C0". The lysine amino acid residue is found in multiple mammalian species, which suggests that this missense change does not adversely affect protein function. In summary, the available evidence is currently insufficient to determine the role of this variant in disease. Therefore, it has been classified as a Variant of Uncertain Significance.